The following is an entry in ClinVar:

NM_021020.5(LZTS1):c.1613A>C (p.Lys538Thr)

Gene: LZTS1 (leucine zipper tumor suppressor 1; minus strand). Cytogenetic location: 8p21.3.
Variant type: single nucleotide variant.
Coding change: c.1613A>C on transcript NM_021020.5 (MANE Select); coding-DNA position 1613, A replaced by C.
Protein change: p.Lys538Thr; replaces lysine 538 with threonine.
Molecular consequence: missense variant.
Genome position (GRCh38, 1-based): chr8:20,249,900, T>G on the plus strand (A>C on the coding strand, the complement: LZTS1 is on the minus strand). VCF-style: chr8-20249900-T-G. GRCh37 (hg19) VCF-style: chr8-20107411-T-G.
Other names: c.1613A>C, p.Lys538Thr (NM_001362884.2); short protein forms K538T.
Identifiers: ClinVar variation 3668606 (VCV003668606.2).

ClinVar aggregate classification (germline): Uncertain significance (1 of 4 stars; one submission).

gnomAD v4.1: 3 of 1,614,166 alleles (0.00019%); highest among the groups gnomAD compares: Non-Finnish European, 0.00017%; no homozygotes.

Submission:

Labcorp Genetics (formerly Invitae), Labcorp
Classification: Uncertain significance. Last evaluated: 2025-02-26. Review status: criteria provided, single submitter. Criteria: Invitae Variant Classification Sherloc (09022015). Collection method: clinical testing. Allele origin: germline.
Comment: This sequence change replaces lysine, which is basic and polar, with threonine, which is neutral and polar, at codon 538 of the LZTS1 protein (p.Lys538Thr). This variant is present in population databases (no rsID available, gnomAD 0.0009%). This variant has not been reported in the literature in individuals affected with LZTS1-related conditions. Invitae Evidence Modeling of protein sequence and biophysical properties (such as structural, functional, and spatial information, amino acid conservation, physicochemical variation, residue mobility, and thermodynamic stability) indicates that this missense variant is expected to disrupt LZTS1 protein function with a positive predictive value of 80%. In summary, the available evidence is currently insufficient to determine the role of this variant in disease. Therefore, it has been classified as a Variant of Uncertain Significance.